The following is an entry in ClinVar:

NM_001128178.3(NPHP1):c.50A>G (p.Asn17Ser)

Gene: NPHP1 (nephrocystin 1; minus strand). Cytogenetic location: 2q13.
Variant type: single nucleotide variant.
Coding change: c.50A>G on transcript NM_001128178.3 (MANE Select); coding-DNA position 50, A replaced by G.
Protein change: p.Asn17Ser; replaces asparagine 17 with serine.
Molecular consequence: missense variant.
Genome position (GRCh38, 1-based): chr2:110,204,919, T>C on the plus strand (A>G on the coding strand, the complement: NPHP1 is on the minus strand). VCF-style: chr2-110204919-T-C. GRCh37 (hg19) VCF-style: chr2-110962496-T-C.
Other names: c.50A>G, p.Asn17Ser (NM_000272.5, NM_001128179.3, NM_001374256.1 and 2 more transcripts); short protein forms N17S.
Identifiers: ClinVar variation 291242 (VCV000291242.13), dbSNP rs200480007, ClinGen allele CA1827538.
Genomic context (GRCh38, chr2:110,204,919, plus strand): 5'-CTGTCGCCCGCCCCAGGGCCCTCTGCACAGCCTGACCATACCTGTTGCTTCAGCTCCTGA[T>C]TGCGGCGCCGCAGGGCCTGGAGAGGATCTCGCTGTCGTCTCGCCAGCATCTCCCTGGCTG-3'
Protein context (NP_001121650.1, residues 7-27): RDPLQALRRR[Asn17Ser]QELKQQVDSL

ClinVar aggregate classification (germline): Uncertain significance. Review status: criteria provided, multiple submitters, no conflicts (2 of 4 stars). 5 submissions from 5 submitters: Uncertain significance (5). Last evaluated 2026-04-21.

Conditions:
NPHP1-related disorder. Also called: NPHP1-related condition; NPHP1-related disorders.
Nephronophthisis. Also called: Juvenile Nephronophthisis. Identifiers: Orphanet 655, MedGen C0687120, MONDO:0019005, HP:0000090.
Nephronophthisis 1 (NPHP1). Also called: Nephronophthisis familial juvenile. Identifiers: Orphanet 655, Orphanet 93592, MedGen C1855681, MONDO:0009728, OMIM 256100.
Joubert syndrome with renal defect. Also called: JOUBERT SYNDROME 4. Identifiers: Orphanet 220497, MedGen C1846790, MONDO:0012308, OMIM 609583.
Senior-Loken syndrome 1 (SLSN1). Also called: JUVENILE NEPHRONOPHTHISIS WITH LEBER AMAUROSIS. Identifiers: Orphanet 3156, MedGen C4551559, MONDO:0009962, OMIM 266900.

Allele frequency attached by ClinVar (database versions not stated): ExAC 0.00001; gnomAD 0.00001 and 0.00003; gnomAD exomes 0.00003 and 0.00008; TOPMed 0.00006.
gnomAD v4.1: 115 of 1,613,878 alleles (0.0071%); highest among the groups gnomAD compares: Middle Eastern, 0.017%; no homozygotes.

Submissions (5):

PreventionGenetics, part of Exact Sciences
Classification: Uncertain significance for NPHP1-related condition. Last evaluated: 2026-04-21. Review status: criteria provided, single submitter. Criteria: ACMG Guidelines, 2015. Collection method: clinical testing. Allele origin: germline.
Comment: The NPHP1 c.50A>G variant is predicted to result in the amino acid substitution p.Asn17Ser. To our knowledge, this variant has not been reported in the literature. This variant is reported in 0.0054% of alleles in individuals of European (Non-Finnish) descent in gnomAD. At this time, the clinical significance of this variant is uncertain due to the absence of conclusive functional and genetic evidence.

Labcorp Genetics (formerly Invitae), Labcorp
Classification: Uncertain significance for Nephronophthisis. Last evaluated: 2022-09-06. Review status: criteria provided, single submitter. Criteria: Invitae Variant Classification Sherloc (09022015). Collection method: clinical testing. Allele origin: germline.
Comment: This sequence change replaces asparagine, which is neutral and polar, with serine, which is neutral and polar, at codon 17 of the NPHP1 protein (p.Asn17Ser). This variant is present in population databases (rs200480007, gnomAD 0.006%). This variant has not been reported in the literature in individuals affected with NPHP1-related conditions. ClinVar contains an entry for this variant (Variation ID: 291242). Algorithms developed to predict the effect of missense changes on protein structure and function output the following: SIFT: "Tolerated"; PolyPhen-2: "Benign"; Align-GVGD: "Class C0". The serine amino acid residue is found in multiple mammalian species, which suggests that this missense change does not adversely affect protein function. Algorithms developed to predict the effect of sequence changes on RNA splicing suggest that this variant may create or strengthen a splice site. In summary, the available evidence is currently insufficient to determine the role of this variant in disease. Therefore, it has been classified as a Variant of Uncertain Significance.

Fulgent Genetics
Classification: Uncertain significance for Nephronophthisis 1; Senior-Loken syndrome 1; Joubert syndrome with renal defect. Last evaluated: 2022-05-01. Review status: criteria provided, single submitter. Criteria: ACMG Guidelines, 2015. Collection method: clinical testing. Allele origin: unknown.

GeneDx
Classification: Uncertain significance. Last evaluated: 2022-01-20. Review status: criteria provided, single submitter. Criteria: GeneDx Variant Classification Process June 2021. Collection method: clinical testing. Allele origin: germline. Affected: yes.
Comment: Not observed at significant frequency in large population cohorts (gnomAD); In silico analysis supports that this missense variant does not alter protein structure/function; Has not been previously published as pathogenic or benign to our knowledge

Eurofins Ntd Llc (ga)
Classification: Uncertain significance. Last evaluated: 2016-09-15. Review status: criteria provided, single submitter. Criteria: EGL Classification Definitions 2015. Collection method: clinical testing. Allele origin: germline. Observed: 1 variant allele, 1 heterozygote.